The following is an entry in ClinVar:

NM_001466.4(FZD2):c.256C>T (p.Pro86Ser)

Gene: FZD2 (frizzled class receptor 2; plus strand). Cytogenetic location: 17q21.31.
Variant type: single nucleotide variant.
Coding change: c.256C>T on transcript NM_001466.4 (MANE Select); coding-DNA position 256, C replaced by T.
Protein change: p.Pro86Ser; replaces proline 86 with serine.
Molecular consequence: missense variant.
Genome position (GRCh38, 1-based): chr17:44,557,944, C>T. VCF-style: chr17-44557944-C-T. GRCh37 (hg19) VCF-style: chr17-42635312-C-T.
Other names: short protein forms P86S.
Identifiers: ClinVar variation 4260845 (VCV004260845.3).

ClinVar aggregate classification (germline): Uncertain significance. Review status: criteria provided, multiple submitters, no conflicts (2 of 4 stars). 2 submissions from 2 submitters: Uncertain significance (2). Last evaluated 2025-11-10.

Conditions:
Autosomal dominant omodysplasia. Identifiers: Orphanet 2733, Orphanet 93328, MedGen C2750355, MONDO:0008123, OMIM 164745.

Submissions (2):

Dasa
Classification: Uncertain significance for Autosomal dominant omodysplasia. Last evaluated: 2025-11-10. Review status: criteria provided, single submitter. Criteria: DASA Assertion Criteria. Collection method: clinical testing. Allele origin: germline.
Comment: NM_001466.4(FZD2):c.256C>T (p.Pro86Ser) is a missense variant that results in the substitution of proline with serine. This variant is rare in population databases. The currently available literature and clinical evidence are not sufficient to establish a definitive association between this variant and the reported condition. Therefore, this variant is classified as a variant of uncertain significance.

Ambry Genetics
Classification: Uncertain significance. Last evaluated: 2025-07-14. Review status: criteria provided, single submitter. Criteria: Ambry Variant Classification Scheme 2023. Collection method: clinical testing. Allele origin: germline.